The following is an entry in ClinVar:

ClinVar aggregate classification (germline): Likely benign. Review status: criteria provided, multiple submitters, no conflicts (2 of 4 stars). 4 submissions from 4 submitters: Likely benign (4). Last evaluated 2025-08-01.

Conditions:
Frasier syndrome. Identifiers: Orphanet 347, MedGen C0950122, MeSH D052159, MONDO:0007635, OMIM 136680.
Drash syndrome (DDS). Also called: NEPHROPATHY, WILMS TUMOR, AND GENITAL ANOMALIES; WILMS TUMOR AND PSEUDO- OR TRUE HERMAPHRODITISM. Identifiers: Orphanet 220, MedGen C0950121, MONDO:0008682, OMIM 194080.
Wilms tumor 1 (WT1). Also called: Wilms tumor, somatic. Identifiers: Orphanet 654, MedGen CN033288, MONDO:0008679, OMIM 194070.
11p partial monosomy syndrome (WAGR). Also called: WAGR syndrome; WAGR Complex; WAGR Spectrum Disorder; CHROMOSOME 11p13 DELETION SYNDROME. Identifiers: Orphanet 893, MedGen C0206115, MONDO:0008681, OMIM 194072.
Inborn genetic diseases. Identifiers: MedGen C0950123, MeSH D030342.

Allele frequency attached by ClinVar (database versions not stated): gnomAD 0.00001; TOPMed 0.00001.
gnomAD v4.1: 3 of 1,612,332 alleles (0.00019%); highest among the groups gnomAD compares: East Asian, 0.0022%; no homozygotes.

Submissions (4):

CeGaT Center for Human Genetics Tuebingen
Classification: Likely benign. Last evaluated: 2025-08-01. Review status: criteria provided, single submitter. Criteria: CeGaT Center For Human Genetics Tuebingen Variant Classification Criteria Version 2. Collection method: clinical testing. Allele origin: germline. Affected: yes. Observed: 1 variant allele.
Comment: WT1: BP4, BP7

Labcorp Genetics (formerly Invitae), Labcorp
Classification: Likely benign for Wilms tumor 1; Drash syndrome; 11p partial monosomy syndrome; Frasier syndrome. Last evaluated: 2025-07-27. Review status: criteria provided, single submitter. Criteria: Invitae Variant Classification Sherloc (09022015). Collection method: clinical testing. Allele origin: germline.

Ambry Genetics
Classification: Likely benign for Inborn genetic diseases. Last evaluated: 2025-02-02. Review status: criteria provided, single submitter. Criteria: Ambry Variant Classification Scheme 2023. Collection method: clinical testing. Allele origin: germline.

Blueprint Genetics
Classification: Likely benign. Last evaluated: 2024-01-18. Review status: criteria provided, single submitter. Criteria: ACMG Guidelines, 2015. Collection method: clinical testing. Allele origin: germline.

NM_024426.6(WT1):c.531C>T (p.Ala177=)

Genes: WT1 (WT1 transcription factor; minus strand), LOC107982234 (WT1/WT1-AS bi-directional promoter region; plus strand). Cytogenetic location: 11p13.
Variant type: single nucleotide variant.
Coding change: c.531C>T on transcript NM_024426.6 (MANE Select); coding-DNA position 531, C replaced by T.
Protein change: p.Ala177=; no amino-acid change (alanine 177 retained).
Molecular consequence: synonymous variant. On other transcripts: non-coding transcript variant (1).
Genome position (GRCh38, 1-based): chr11:32,434,830, G>A on the plus strand (C>T on the coding strand, the complement: WT1 is on the minus strand). VCF-style: chr11-32434830-G-A. GRCh37 (hg19) VCF-style: chr11-32456376-G-A.
Other names: c.531C>T, p.Ala177= (NM_000378.6, NM_024424.5).
Identifiers: ClinVar variation 543149 (VCV000543149.20), dbSNP rs1354094843, ClinGen allele CA473571491.